The following is an entry in ClinVar:

ClinVar aggregate classification (germline): Uncertain significance (1 of 4 stars; one submission).

Conditions:
Inborn genetic diseases. Identifiers: MedGen C0950123, MeSH D030342.

gnomAD v4.1: 1 of 1,614,080 alleles (0.000062%); highest among the groups gnomAD compares: South Asian, 0.0011%; no homozygotes.

Submission:

Ambry Genetics
Classification: Uncertain significance for Inborn genetic diseases. Last evaluated: 2023-10-16. Review status: criteria provided, single submitter. Criteria: Ambry Variant Classification Scheme 2023. Collection method: clinical testing. Allele origin: germline.
Comment: The p.R244P variant (also known as c.731G>C), located in coding exon 6 of the BUB1B gene, results from a G to C substitution at nucleotide position 731. The arginine at codon 244 is replaced by proline, an amino acid with dissimilar properties. This amino acid position is conserved. In addition, the in silico prediction for this alteration is inconclusive. Since supporting evidence is limited at this time, the clinical significance of this alteration remains unclear.

NM_001211.6(BUB1B):c.731G>C (p.Arg244Pro)

Gene: BUB1B (BUB1 mitotic checkpoint serine/threonine kinase B; plus strand). Cytogenetic location: 15q15.1.
Variant type: single nucleotide variant.
Coding change: c.731G>C on transcript NM_001211.6 (MANE Select); coding-DNA position 731, G replaced by C.
Protein change: p.Arg244Pro; replaces arginine 244 with proline.
Molecular consequence: missense variant.
Genome position (GRCh38, 1-based): chr15:40,183,863, G>C. VCF-style: chr15-40183863-G-C. GRCh37 (hg19) VCF-style: chr15-40476064-G-C.
Other names: short protein forms R244P.
Identifiers: ClinVar variation 3221442 (VCV003221442.1), dbSNP rs56158360, ClinGen allele CA391683488.
Genomic context (GRCh38, chr15:40,183,863, plus strand): 5'-GAAGCACACTAGCTGAACTAAAGAGCAAAGGGAAAAAGACAGCAAGAGCTCCAATCATCC[G>C]TGTAGGAGGTGCTCTCAAGGGTAAGTTTGTTAAACGTTATTTCGGAAAACTGTTAGTTTC-3'
Protein context (NP_001202.5, residues 234-254): GKKTARAPII[Arg244Pro]VGGALKAPSQ